The following is an entry in ClinVar:

ClinVar aggregate classification (germline): Uncertain significance (1 of 4 stars; one submission).

Conditions:
Spondyloepiphyseal dysplasia, Kimberley type. Identifiers: Orphanet 93283, MedGen C1842149, MONDO:0012019, OMIM 608361.
Spondyloepimetaphyseal dysplasia, aggrecan type. Also called: SEMD, AGGRECAN TYPE. Identifiers: Orphanet 171866, MedGen C2748544, MONDO:0013014, OMIM 612813.
Short stature and advanced bone age, with or without early-onset osteoarthritis and/or osteochondritis dissecans (SSOAOD). Identifiers: Orphanet 251262, MedGen C3665488, MONDO:0100462, OMIM 165800.

Submission:

Juno Genomics, Hangzhou Juno Genomics, Inc
Classification: Uncertain significance for Spondyloepiphyseal dysplasia, Kimberley type; Short stature and advanced bone age, with or without early-onset osteoarthritis and/or osteochondritis dissecans; Spondyloepimetaphyseal dysplasia, aggrecan type. Review status: criteria provided, single submitter. Criteria: ACMG Guidelines, 2015. Collection method: clinical testing. Allele origin: germline.
Comment: Absent from controls (or at extremely low frequency if recessive) in Genome Aggregation Database.;Multiple lines of computational evidence suggest no impact on gene or gene product.

NM_001369268.1(ACAN):c.2926C>T (p.Leu976Phe)

Gene: ACAN (aggrecan; plus strand). Cytogenetic location: 15q26.1.
Variant type: single nucleotide variant.
Coding change: c.2926C>T on transcript NM_001369268.1 (MANE Select); coding-DNA position 2926, C replaced by T.
Protein change: p.Leu976Phe; replaces leucine 976 with phenylalanine.
Molecular consequence: missense variant.
Genome position (GRCh38, 1-based): chr15:88,855,511, C>T. VCF-style: chr15-88855511-C-T. GRCh37 (hg19) VCF-style: chr15-89398742-C-T.
Other names: c.2926C>T, p.Leu976Phe (NM_001135.4, NM_001411096.1, NM_001411097.1 and 1 more transcripts); short protein forms L976F.
Identifiers: ClinVar variation 5037990 (VCV005037990.2).